The following is an entry in ClinVar:

NM_000051.4(ATM):c.5873C>T (p.Ala1958Val)

Genes: ATM (ATM serine/threonine kinase; plus strand), C11orf65 (chromosome 11 open reading frame 65; minus strand). Cytogenetic location: 11q22.3.
Variant type: single nucleotide variant.
Coding change: c.5873C>T on transcript NM_000051.4 (MANE Select); coding-DNA position 5873, C replaced by T.
Protein change: p.Ala1958Val; replaces alanine 1958 with valine.
Molecular consequence: missense variant. On other transcripts: intron variant (2).
Genome position (GRCh38, 1-based): chr11:108,310,270, C>T. VCF-style: chr11-108310270-C-T. GRCh37 (hg19) VCF-style: chr11-108180997-C-T.
Other names: c.5873C>T, p.Ala1958Val (NM_001351834.2); c.641-1199G>A (NM_001330368.2); c.*39-1199G>A (NM_001351110.2); short protein forms A1958V.
Identifiers: ClinVar variation 1332282 (VCV001332282.11), dbSNP rs2136017305, ClinGen allele CA382548508.

ClinVar aggregate classification (germline): Conflicting classifications of pathogenicity. Review status: criteria provided, conflicting classifications (1 of 4 stars). 3 submissions from 3 submitters: Uncertain significance (2); Likely benign (1). Last evaluated 2025-01-13.

Conditions:
Hereditary cancer-predisposing syndrome. Also called: Tumor predisposition; Neoplastic Syndromes, Hereditary; Hereditary Cancer Syndrome; Hereditary neoplastic syndrome. Identifiers: Orphanet 140162, MedGen C0027672, MeSH D009386, MONDO:0015356.
Ataxia-telangiectasia syndrome (AT). Also called: Ataxia-telangiectasia; LOUIS-BAR SYNDROME; Ataxia-telangiectasia, complementation group D; AT, COMPLEMENTATION GROUP C; ATAXIA-TELANGIECTASIA, COMPLEMENTATION GROUP A; ATAXIA-TELANGIECTASIA, FRESNO VARIANT. Identifiers: Orphanet 100, MedGen C0004135, MONDO:0008840, OMIM 208900.

Submissions (3):

Labcorp Genetics (formerly Invitae), Labcorp
Classification: Uncertain significance for Ataxia-telangiectasia syndrome. Last evaluated: 2025-01-13. Review status: criteria provided, single submitter. Criteria: Invitae Variant Classification Sherloc (09022015). Collection method: clinical testing. Allele origin: germline.
Comment: This sequence change replaces alanine, which is neutral and non-polar, with valine, which is neutral and non-polar, at codon 1958 of the ATM protein (p.Ala1958Val). This variant is not present in population databases (gnomAD no frequency). This variant has not been reported in the literature in individuals affected with ATM-related conditions. ClinVar contains an entry for this variant (Variation ID: 1332282). Invitae Evidence Modeling of protein sequence and biophysical properties (such as structural, functional, and spatial information, amino acid conservation, physicochemical variation, residue mobility, and thermodynamic stability) indicates that this missense variant is not expected to disrupt ATM protein function with a negative predictive value of 95%. In summary, the available evidence is currently insufficient to determine the role of this variant in disease. Therefore, it has been classified as a Variant of Uncertain Significance.

Ambry Genetics
Classification: Likely benign for Hereditary cancer-predisposing syndrome. Last evaluated: 2024-11-09. Review status: criteria provided, single submitter. Criteria: Ambry Variant Classification Scheme 2023. Collection method: clinical testing. Allele origin: germline.

Color Diagnostics, LLC DBA Color Health
Classification: Uncertain significance for Hereditary cancer-predisposing syndrome. Last evaluated: 2021-06-28. Review status: criteria provided, single submitter. Criteria: ACMG Guidelines, 2015. Collection method: clinical testing. Allele origin: germline.
Comment: This missense variant replaces alanine with valine at codon 1958 of the ATM protein. Computational prediction suggests that this variant may not impact protein structure and function (internally defined REVEL score threshold <= 0.5, PMID: 27666373). To our knowledge, functional studies have not been reported for this variant. This variant has not been reported in individuals affected with hereditary cancer in the literature. This variant has not been identified in the general population by the Genome Aggregation Database (gnomAD). The available evidence is insufficient to determine the role of this variant in disease conclusively. Therefore, this variant is classified as a Variant of Uncertain Significance.